The following is an entry in ClinVar:

ClinVar aggregate classification (germline): Uncertain significance (1 of 4 stars; one submission).

Allele frequency attached by ClinVar (database versions not stated): gnomAD 0.00001.
gnomAD v4.1: 6 of 1,505,494 alleles (0.0004%); highest among the groups gnomAD compares: Non-Finnish European, 0.00053%; no homozygotes.

Submission:

Labcorp Genetics (formerly Invitae), Labcorp
Classification: Uncertain significance. Last evaluated: 2022-07-09. Review status: criteria provided, single submitter. Criteria: Invitae Variant Classification Sherloc (09022015). Collection method: clinical testing. Allele origin: germline.
Comment: In summary, the available evidence is currently insufficient to determine the role of this variant in disease. Therefore, it has been classified as a Variant of Uncertain Significance. Advanced modeling of protein sequence and biophysical properties (such as structural, functional, and spatial information, amino acid conservation, physicochemical variation, residue mobility, and thermodynamic stability) performed at Invitae indicates that this missense variant is not expected to disrupt CACNA1B protein function. This variant has not been reported in the literature in individuals affected with CACNA1B-related conditions. This variant is not present in population databases (gnomAD no frequency). This sequence change replaces proline, which is neutral and non-polar, with serine, which is neutral and polar, at codon 2090 of the CACNA1B protein (p.Pro2090Ser).

NM_000718.4(CACNA1B):c.6268C>T (p.Pro2090Ser)

Gene: CACNA1B (calcium voltage-gated channel subunit alpha1 B; plus strand). Cytogenetic location: 9q34.3.
Variant type: single nucleotide variant.
Coding change: c.6268C>T on transcript NM_000718.4 (MANE Select); coding-DNA position 6268, C replaced by T.
Protein change: p.Pro2090Ser; replaces proline 2090 with serine.
Molecular consequence: missense variant.
Genome position (GRCh38, 1-based): chr9:138,120,660, C>T. VCF-style: chr9-138120660-C-T. GRCh37 (hg19) VCF-style: chr9-141015112-C-T.
Other names: c.6268C>T, p.Pro2090Ser (NM_001243812.2); short protein forms P2090S.
Identifiers: ClinVar variation 2015287 (VCV002015287.4), dbSNP rs758151882, ClinGen allele CA375822744.